The following is an entry in ClinVar:

ClinVar aggregate classification (germline): Uncertain significance (1 of 4 stars; one submission).

Submission:

Ambry Genetics
Classification: Uncertain significance. Last evaluated: 2024-03-27. Review status: criteria provided, single submitter. Criteria: Ambry Variant Classification Scheme 2023. Collection method: clinical testing. Allele origin: germline.
Comment: The p.L140F variant (also known as c.420A>T), located in coding exon 6 of the NPAT gene, results from an A to T substitution at nucleotide position 420. The leucine at codon 140 is replaced by phenylalanine, an amino acid with highly similar properties. This amino acid position is conserved. In addition, this alteration is predicted to be tolerated by in silico analysis. Based on the available evidence, the clinical significance of this alteration remains unclear.

NM_002519.3(NPAT):c.420A>T (p.Leu140Phe)

Gene: NPAT (nuclear protein, coactivator of histone transcription; minus strand). Cytogenetic location: 11q22.3.
Variant type: single nucleotide variant.
Coding change: c.420A>T on transcript NM_002519.3 (MANE Select); coding-DNA position 420, A replaced by T.
Protein change: p.Leu140Phe; replaces leucine 140 with phenylalanine.
Molecular consequence: missense variant.
Genome position (GRCh38, 1-based): chr11:108,189,242, T>A on the plus strand (A>T on the coding strand, the complement: NPAT is on the minus strand). VCF-style: chr11-108189242-T-A. GRCh37 (hg19) VCF-style: chr11-108059969-T-A.
Other names: c.420A>T, p.Leu140Phe (NM_001321307.1); short protein forms L140F.
Identifiers: ClinVar variation 3300598 (VCV003300598.1).